The following is an entry in ClinVar:

ClinVar aggregate classification (germline): Uncertain significance (1 of 4 stars; one submission).

Conditions:
Hereditary cancer-predisposing syndrome. Also called: Hereditary Cancer Syndrome; Neoplastic Syndromes, Hereditary; Hereditary neoplastic syndrome; Tumor predisposition. Identifiers: Orphanet 140162, MedGen C0027672, MeSH D009386, MONDO:0015356.

gnomAD v4.1: 2 of 1,614,200 alleles (0.00012%); highest among the groups gnomAD compares: Non-Finnish European, 0.00017%; no homozygotes.

Submission:

Labcorp Genetics (formerly Invitae), Labcorp
Classification: Uncertain significance for Hereditary cancer-predisposing syndrome. Last evaluated: 2025-03-28. Review status: criteria provided, single submitter. Criteria: Invitae Variant Classification Sherloc (09022015). Collection method: clinical testing. Allele origin: germline.
Comment: This sequence change falls in intron 1 of the RAD50 gene. It does not directly change the encoded amino acid sequence of the RAD50 protein. It affects a nucleotide within the consensus splice site. This variant is not present in population databases (gnomAD no frequency). This variant has not been reported in the literature in individuals affected with RAD50-related conditions. Variants that disrupt the consensus splice site are a relatively common cause of aberrant splicing (PMID: 17576681, 9536098). Algorithms developed to predict the effect of sequence changes on RNA splicing suggest that this variant may disrupt the consensus splice site. In summary, the available evidence is currently insufficient to determine the role of this variant in disease. Therefore, it has been classified as a Variant of Uncertain Significance.

Literature cited by the submitters: PubMed 17576681; PubMed 9536098.

NM_005732.4(RAD50):c.129+5G>C

Gene: RAD50 (RAD50 double strand break repair protein; plus strand). Cytogenetic location: 5q31.1.
Variant type: single nucleotide variant.
Coding change: c.129+5G>C on transcript NM_005732.4 (MANE Select); 5 bases into the intron after coding-DNA position 129, G replaced by C.
Molecular consequence: intron variant.
Genome position (GRCh38, 1-based): chr5:132,557,458, G>C. VCF-style: chr5-132557458-G-C. GRCh37 (hg19) VCF-style: chr5-131893150-G-C.
Identifiers: ClinVar variation 4716216 (VCV004716216.1).